The following is an entry in ClinVar:

ClinVar aggregate classification (germline): Likely benign. Review status: criteria provided, multiple submitters, no conflicts (2 of 4 stars). 2 submissions from 2 submitters: Likely benign (2). Last evaluated 2025-11-25.

gnomAD v4.1: 36 of 1,610,336 alleles (0.0022%); highest among the groups gnomAD compares: East Asian, 0.0045%; no homozygotes.

Submissions (2):

Labcorp Genetics (formerly Invitae), Labcorp
Classification: Likely benign. Last evaluated: 2025-11-25. Review status: criteria provided, single submitter. Criteria: Invitae Variant Classification Sherloc (09022015). Collection method: clinical testing. Allele origin: germline.

CeGaT Center for Human Genetics Tuebingen
Classification: Likely benign. Last evaluated: 2025-03-01. Review status: criteria provided, single submitter. Criteria: CeGaT Center For Human Genetics Tuebingen Variant Classification Criteria Version 2. Collection method: clinical testing. Allele origin: germline. Affected: yes. Observed: 1 variant allele.
Comment: SLC26A1: BP4, BP7

NM_022042.4(SLC26A1):c.213C>T (p.Gly71=)

Genes: SLC26A1 (solute carrier family 26 member 1; minus strand), IDUA (alpha-L-iduronidase; plus strand). Cytogenetic location: 4p16.3.
Variant type: single nucleotide variant.
Coding change: c.213C>T on transcript NM_022042.4 (MANE Select); coding-DNA position 213, C replaced by T.
Protein change: p.Gly71=; no amino-acid change (glycine 71 retained).
Molecular consequence: synonymous variant. On other transcripts: intron variant (1).
Genome position (GRCh38, 1-based): chr4:991,491, G>A on the plus strand (C>T on the coding strand, the complement: SLC26A1 is on the minus strand). VCF-style: chr4-991491-G-A. GRCh37 (hg19) VCF-style: chr4-985279-G-A.
Other names: c.213C>T, p.Gly71= (NM_134425.4, NM_213613.4); c.299+3542G>A (NM_000203.5).
Identifiers: ClinVar variation 3778015 (VCV003778015.8).